The following is an entry in ClinVar:

NM_001303052.2(MYT1L):c.2782G>A (p.Gly928Ser)

Gene: MYT1L (myelin transcription factor 1 like; minus strand). Cytogenetic location: 2p25.3.
Variant type: single nucleotide variant.
Coding change: c.2782G>A on transcript NM_001303052.2 (MANE Select); coding-DNA position 2782, G replaced by A.
Protein change: p.Gly928Ser; replaces glycine 928 with serine.
Molecular consequence: missense variant.
Genome position (GRCh38, 1-based): chr2:1,840,836, C>T on the plus strand (G>A on the coding strand, the complement: MYT1L is on the minus strand). VCF-style: chr2-1840836-C-T. GRCh37 (hg19) VCF-style: chr2-1844608-C-T.
Other names: c.2782G>A, p.Gly928Ser (NM_001329844.2, NM_001329845.1, NM_001329851.3); c.2776G>A, p.Gly926Ser (NM_001329846.3, NM_001329847.2, NM_001329848.1 and 3 more transcripts); short protein forms G926S, G928S.
Identifiers: ClinVar variation 4686235 (VCV004686235.1).
Genomic context (GRCh38, chr2:1,840,836, plus strand): 5'-CTTCTTTATCTTCTTTGCTCTGTGCTATCCTGATACCACTTTTCTTTGCTCTTGGGCAAC[C>T]TGAAAGGCTAAATAAGAAACACATTTCAGAAAGCACCCCACACCGTTGATTTCAGTGAGC-3'
Protein context (NP_001289981.1, residues 918-938): GNYASHRSLS[Gly928Ser]CPRAKKSGIR

ClinVar aggregate classification (germline): Uncertain significance (1 of 4 stars; one submission).

Submission:

GeneDx
Classification: Uncertain significance. Last evaluated: 2025-07-14. Review status: criteria provided, single submitter. Criteria: GeneDx Variant Classification Process June 2021. Collection method: clinical testing. Allele origin: germline. Affected: yes.
Comment: Not observed at significant frequency in large population cohorts (gnomAD); In silico analysis supports that this missense variant has a deleterious effect on protein structure/function; Has not been previously published as pathogenic or benign to our knowledge; In silico analysis is inconclusive as to whether the variant alters gene splicing. In the absence of RNA/functional studies, the actual effect of this sequence change is unknown.